The following is an entry in ClinVar:

ClinVar aggregate classification (germline): Uncertain significance (1 of 4 stars; one submission).

Submission:

GeneDx
Classification: Uncertain significance. Last evaluated: 2025-08-07. Review status: criteria provided, single submitter. Criteria: GeneDx Variant Classification Process June 2021. Collection method: clinical testing. Allele origin: germline. Affected: yes.
Comment: Not observed at significant frequency in large population cohorts (gnomAD); In silico analysis suggests that this missense variant does not alter protein structure/function; Has not been previously published as pathogenic or benign to our knowledge

NM_022841.7(RFX7):c.1996G>A (p.Glu666Lys)

Gene: RFX7 (regulatory factor X7; minus strand). Cytogenetic location: 15q21.3.
Variant type: single nucleotide variant.
Coding change: c.1996G>A on transcript NM_022841.7 (MANE Select); coding-DNA position 1996, G replaced by A.
Protein change: p.Glu666Lys; replaces glutamic acid 666 with lysine.
Molecular consequence: missense variant.
Genome position (GRCh38, 1-based): chr15:56,095,732, C>T on the plus strand (G>A on the coding strand, the complement: RFX7 is on the minus strand). VCF-style: chr15-56095732-C-T. GRCh37 (hg19) VCF-style: chr15-56387930-C-T.
Other names: c.1705G>A, p.Glu569Lys (NM_001368073.2, NM_001368074.1, NM_001370554.1); c.1996G>A, p.Glu666Lys (NM_001370561.1); short protein forms E569K, E666K.
Identifiers: ClinVar variation 4755814 (VCV004755814.1).